The following is an entry in ClinVar:

NM_173728.4(ARHGEF15):c.2351A>G (p.Lys784Arg)

Gene: ARHGEF15 (Rho guanine nucleotide exchange factor 15; plus strand). Cytogenetic location: 17p13.1.
Variant type: single nucleotide variant.
Coding change: c.2351A>G on transcript NM_173728.4 (MANE Select); coding-DNA position 2351, A replaced by G.
Protein change: p.Lys784Arg; replaces lysine 784 with arginine.
Molecular consequence: missense variant.
Genome position (GRCh38, 1-based): chr17:8,319,580, A>G. VCF-style: chr17-8319580-A-G. GRCh37 (hg19) VCF-style: chr17-8222898-A-G.
Other names: c.2351A>G, p.Lys784Arg (NM_025014.2); short protein forms K784R.
Identifiers: ClinVar variation 1462692 (VCV001462692.9), dbSNP rs1401828336, ClinGen allele CA398025829.

ClinVar aggregate classification (germline): Uncertain significance (1 of 4 stars; one submission).

Conditions:
Early-infantile DEE. Also called: Early infantile epileptic encephalopathy; Ohtahara syndrome; Early infantile epileptic encephalopathy with suppression bursts. Identifiers: Orphanet 1934, MedGen C0393706, MONDO:0800491.

Allele frequency attached by ClinVar (database versions not stated): gnomAD exomes below 0.00001; gnomAD 0.00001; TOPMed 0.00001.
gnomAD v4.1: 3 of 1,602,704 alleles (0.00019%); highest among the groups gnomAD compares: African/African-American, 0.0014%; no homozygotes.

Submission:

Labcorp Genetics (formerly Invitae), Labcorp
Classification: Uncertain significance for Early-infantile DEE. Last evaluated: 2024-11-25. Review status: criteria provided, single submitter. Criteria: Invitae Variant Classification Sherloc (09022015). Collection method: clinical testing. Allele origin: germline.
Comment: This sequence change replaces lysine, which is basic and polar, with arginine, which is basic and polar, at codon 784 of the ARHGEF15 protein (p.Lys784Arg). This variant is present in population databases (no rsID available, gnomAD 0.01%). This variant has not been reported in the literature in individuals affected with ARHGEF15-related conditions. ClinVar contains an entry for this variant (Variation ID: 1462692). An algorithm developed to predict the effect of missense changes on protein structure and function outputs the following: PolyPhen-2: "Benign". The arginine amino acid residue is found in multiple mammalian species, which suggests that this missense change does not adversely affect protein function. In summary, the available evidence is currently insufficient to determine the role of this variant in disease. Therefore, it has been classified as a Variant of Uncertain Significance.